The following is an entry in ClinVar:

NM_020911.2(PLXNA4):c.629C>T (p.Ala210Val)

Gene: PLXNA4 (plexin A4; minus strand). Cytogenetic location: 7q32.3.
Variant type: single nucleotide variant.
Coding change: c.629C>T on transcript NM_020911.2 (MANE Select); coding-DNA position 629, C replaced by T.
Protein change: p.Ala210Val; replaces alanine 210 with valine.
Molecular consequence: missense variant.
Genome position (GRCh38, 1-based): chr7:132,508,065, G>A on the plus strand (C>T on the coding strand, the complement: PLXNA4 is on the minus strand). VCF-style: chr7-132508065-G-A. GRCh37 (hg19) VCF-style: chr7-132192824-G-A.
Other names: c.629C>T, p.Ala210Val (NM_001105543.2, NM_001393897.1, NM_181775.4); short protein forms A210V.
Identifiers: ClinVar variation 3352607 (VCV003352607.3).
Genomic context (GRCh38, chr7:132,508,065, plus strand): 5'-GGGATCTTAATCATCGAGGCCACGAACTCATCATGGAAGACGTACGCGAACATGCCATCC[G>A]CCTCAGAGTTCTTGGTCAGTTTCCGGCTGGAGATGGTGGGAAAATACTCGGGCTTCCCAT-3'
Protein context (NP_065962.1, residues 200-220): SSRKLTKNSE[Ala210Val]DGMFAYVFHD

ClinVar aggregate classification (germline): Uncertain significance. Review status: criteria provided, multiple submitters, no conflicts (2 of 4 stars). 2 submissions from 2 submitters: Uncertain significance (2). Last evaluated 2026-09-10.

Conditions:
PLXNA4-related disorder. Also called: PLXNA4-related condition.

gnomAD v4.1: 26 of 1,614,066 alleles (0.0016%); highest among the groups gnomAD compares: African/African-American, 0.0027%; no homozygotes.

Submissions (2):

PreventionGenetics, part of Exact Sciences
Classification: Uncertain significance for PLXNA4-related condition. Last evaluated: 2026-09-10. Review status: criteria provided, single submitter. Criteria: ACMG Guidelines, 2015. Collection method: clinical testing. Allele origin: germline.
Comment: The PLXNA4 c.629C>T variant is predicted to result in the amino acid substitution p.Ala210Val. To our knowledge, this variant has not been reported in the literature. This variant is reported in 0.0054% of alleles in individuals of East Asian descent in gnomAD. At this time, the clinical significance of this variant is uncertain due to the absence of conclusive functional and genetic evidence.

Ambry Genetics
Classification: Uncertain significance. Last evaluated: 2025-11-26. Review status: criteria provided, single submitter. Criteria: Ambry Variant Classification Scheme 2023. Collection method: clinical testing. Allele origin: germline.